The following is an entry in ClinVar:

ClinVar aggregate classification (germline): Uncertain significance (1 of 4 stars; one submission).

Allele frequency attached by ClinVar (database versions not stated): gnomAD exomes below 0.00001.
gnomAD v4.1: 1 of 1,612,784 alleles (0.000062%); highest among the groups gnomAD compares: South Asian, 0.0011%; no homozygotes.

Submission:

Ambry Genetics
Classification: Uncertain significance. Last evaluated: 2022-02-15. Review status: criteria provided, single submitter. Criteria: Ambry Variant Classification Scheme 2023. Collection method: clinical testing. Allele origin: germline.
Comment: The p.S174G variant (also known as c.520A>G), located in coding exon 4 of the POLQ gene, results from an A to G substitution at nucleotide position 520. The serine at codon 174 is replaced by glycine, an amino acid with similar properties. This amino acid position is conserved. In addition, this alteration is predicted to be tolerated by in silico analysis. Since supporting evidence is limited at this time, the clinical significance of this alteration remains unclear.

NM_199420.4(POLQ):c.520A>G (p.Ser174Gly)

Gene: POLQ (DNA polymerase theta; minus strand). Cytogenetic location: 3q13.33.
Variant type: single nucleotide variant.
Coding change: c.520A>G on transcript NM_199420.4 (MANE Select); coding-DNA position 520, A replaced by G.
Protein change: p.Ser174Gly; replaces serine 174 with glycine.
Molecular consequence: missense variant.
Genome position (GRCh38, 1-based): chr3:121,539,544, T>C on the plus strand (A>G on the coding strand, the complement: POLQ is on the minus strand). VCF-style: chr3-121539544-T-C. GRCh37 (hg19) VCF-style: chr3-121258391-T-C.
Other names: short protein forms S174G.
Identifiers: ClinVar variation 1746081 (VCV001746081.2), dbSNP rs2546824598, ClinGen allele CA354091293.